The following is an entry in ClinVar:

ClinVar aggregate classification (germline): Uncertain significance (1 of 4 stars; one submission).

Conditions:
DICER1-related tumor predisposition. Also called: DICER1 syndrome; DICER1-related pleuropulmonary blastoma cancer predisposition syndrome. Identifiers: Orphanet 284343, MedGen C3839822, MONDO:0100216.

Submission:

Labcorp Genetics (formerly Invitae), Labcorp
Classification: Uncertain significance for DICER1-related tumor predisposition. Last evaluated: 2020-02-02. Review status: criteria provided, single submitter. Criteria: Invitae Variant Classification Sherloc (09022015). Collection method: clinical testing. Allele origin: germline.
Comment: In summary, the available evidence is currently insufficient to determine the role of this variant in disease. Therefore, it has been classified as a Variant of Uncertain Significance. Experimental studies and prediction algorithms are not available or were not evaluated, and the functional significance of this variant is currently unknown. This variant has not been reported in the literature in individuals with DICER1-related conditions. This variant is not present in population databases (ExAC no frequency). This variant, c.3553_3555del, results in the deletion of 1 amino acid(s) of the DICER1 protein (p.Ala1185del), but otherwise preserves the integrity of the reading frame.

NM_177438.3(DICER1):c.3553_3555del (p.Ala1185del)

Gene: DICER1 (dicer 1, ribonuclease III; minus strand). Cytogenetic location: 14q32.13.
Variant type: Deletion.
Coding change: c.3553_3555del on transcript NM_177438.3 (MANE Select); coding-DNA positions 3553 to 3555, 3 bases deleted (GCC; older notation c.3553_3555delGCC).
Protein change: p.Ala1185del; deletes alanine 1185.
Molecular consequence: inframe deletion.
Genome position (GRCh38, 1-based): chr14:95,103,841-95,103,843, GGC deleted on the plus strand (GCC on the coding strand, the reverse complement: DICER1 is on the minus strand); deleting any 3 consecutive bases within chr14:95,103,841-95,103,844 gives the same sequence; the c. name uses the placement nearest the transcript's 3' end. VCF-style (leftmost placement, unchanged base first): chr14-95103840-TGGC-T. GRCh37 (hg19) VCF-style: chr14-95570177-TGGC-T.
Other names: c.3553_3555del, p.Ala1185del (NM_001195573.1, NM_001271282.3, NM_001291628.2 and 1 more transcripts); short protein forms A1185del.
Identifiers: ClinVar variation 1037157 (VCV001037157.10), dbSNP rs1891143334, ClinGen allele CA2156306992.